The following is an entry in ClinVar:

ClinVar aggregate classification (germline): Pathogenic (1 of 4 stars; one submission).

Conditions:
Succinate-semialdehyde dehydrogenase deficiency (SSADHD). Also called: Succinic Semialdehyde Dehydrogenase Deficiency; SSADH DEFICIENCY; 4-HYDROXYBUTYRIC ACIDURIA; GABA METABOLIC DEFECT. Identifiers: Orphanet 22, MedGen C0268631, MONDO:0010083, OMIM 271980.

Submission:

Elsea Laboratory, Baylor College of Medicine
Classification: Pathogenic for Succinate-semialdehyde dehydrogenase deficiency. Last evaluated: 2024-05-13. Review status: criteria provided, single submitter. Criteria: ACMG Guidelines, 2015. Collection method: clinical testing. Allele origin: germline. Affected: yes.
Comment: The c.380G>A p.(Trp127Ter) variant in the ALDH5A1 gene, is located in exon 2, and is predicted to result in premature termination codon and nonsense mediated mRNA decay. This variant has been observed in trans with a known likely pathogenic variant, in one individual affected with succinic semialdehyde dehyrdogenase deficiency and elevated GHB (Glinton, Gijavanekar et al., 2024, Frontiers in Neurogenomics). This variant is absent in gnomAD. Therefore this variant is classified as pathogenic ACMG variant classification evidence codes: PVS1+PM2Supp+PM3+PP4

NM_001080.3(ALDH5A1):c.380G>A (p.Trp127Ter)

Gene: ALDH5A1 (aldehyde dehydrogenase 5 family member A1; plus strand). Cytogenetic location: 6p22.3.
Variant type: single nucleotide variant.
Coding change: c.380G>A on transcript NM_001080.3 (MANE Select); coding-DNA position 380, G replaced by A.
Protein change: p.Trp127Ter; replaces tryptophan 127 with a stop codon.
Molecular consequence: nonsense.
Genome position (GRCh38, 1-based): chr6:24,502,548, G>A. VCF-style: chr6-24502548-G-A. GRCh37 (hg19) VCF-style: chr6-24502776-G-A.
Other names: c.380G>A, p.Trp127Ter (NM_001368954.1, NM_170740.1); short protein forms W127*.
Identifiers: ClinVar variation 3236165 (VCV003236165.1), dbSNP rs2532830915, ClinGen allele CA362969088.